The following is an entry in ClinVar:

NM_006180.6(NTRK2):c.1029C>T (p.His343=)

Gene: NTRK2 (neurotrophic receptor tyrosine kinase 2; plus strand). Cytogenetic location: 9q21.33.
Variant type: single nucleotide variant.
Coding change: c.1029C>T on transcript NM_006180.6 (MANE Select); coding-DNA position 1029, C replaced by T.
Protein change: p.His343=; no amino-acid change (histidine 343 retained).
Molecular consequence: synonymous variant.
Genome position (GRCh38, 1-based): chr9:84,727,829, C>T. VCF-style: chr9-84727829-C-T. GRCh37 (hg19) VCF-style: chr9-87342744-C-T.
Other names: c.1029C>T (NM_006180.4); c.1029C>T, p.His343= (NM_001007097.3, NM_001018064.3, NM_001018065.2 and 16 more transcripts); c.990C>T, p.His330= (NM_001291937.2, NM_001369546.1); c.561C>T, p.His187= (NM_001369535.1, NM_001369536.1, NM_001369550.1 and 2 more transcripts).
Identifiers: ClinVar variation 1530503 (VCV001530503.25), dbSNP rs147059990, ClinGen allele CA5105613.

ClinVar aggregate classification (germline): Benign/Likely benign. Review status: criteria provided, multiple submitters, no conflicts (2 of 4 stars). 4 submissions from 4 submitters: Benign (1); Likely benign (2). 1 of the submissions does not count toward it. Last evaluated 2026-08-01.

Conditions:
NTRK2-related disorder. Also called: NTRK2-related condition.

Allele frequency attached by ClinVar (database versions not stated): gnomAD exomes 0.00007 and 0.00028; ESP Exome Variant Server 0.00008; gnomAD 0.00017 and 0.00018; TOPMed 0.00017; 1000 Genomes Project 30x 0.00031; ExAC 0.00031; 1000 Genomes Project 0.00040.
gnomAD v4.1: 140 of 1,614,182 alleles (0.0087%); highest among the groups gnomAD compares: East Asian, 0.1%; 2 homozygotes.

Submissions (4):

CeGaT Center for Human Genetics Tuebingen
Classification: Likely benign. Last evaluated: 2026-08-01. Review status: criteria provided, single submitter. Criteria: CeGaT Center For Human Genetics Tuebingen Variant Classification Criteria Version 2. Collection method: clinical testing. Allele origin: germline. Affected: yes. Observed: 2 variant alleles.
Comment: NTRK2: BP4, BP7

Labcorp Genetics (formerly Invitae), Labcorp
Classification: Benign. Last evaluated: 2026-01-19. Review status: criteria provided, single submitter. Criteria: Invitae Variant Classification Sherloc (09022015). Collection method: clinical testing. Allele origin: germline.

Blueprint Genetics
Classification: Likely benign. Last evaluated: 2024-06-10. Review status: criteria provided, single submitter. Criteria: ACMG Guidelines, 2015. Collection method: clinical testing. Allele origin: germline.

PreventionGenetics, part of Exact Sciences
Classification: Likely benign for NTRK2-related condition. Last evaluated: 2019-09-27. Review status: no assertion criteria provided. Collection method: clinical testing. Allele origin: germline. Not counted in ClinVar's aggregate classification.
Comment: This variant is classified as likely benign based on ACMG/AMP sequence variant interpretation guidelines (Richards et al. 2015 PMID: 25741868, with internal and published modifications).